The following is an entry in ClinVar:

NM_020975.6(RET):c.593C>T (p.Pro198Leu)

Gene: RET (ret proto-oncogene; plus strand). Cytogenetic location: 10q11.21.
Variant type: single nucleotide variant.
Coding change: c.593C>T on transcript NM_020975.6 (MANE Select); coding-DNA position 593, C replaced by T.
Protein change: p.Pro198Leu; replaces proline 198 with leucine.
Molecular consequence: missense variant. On other transcripts: intron variant (15).
Genome position (GRCh38, 1-based): chr10:43,102,597, C>T. VCF-style: chr10-43102597-C-T. GRCh37 (hg19) VCF-style: chr10-43598045-C-T.
Other names: c.593C>T, p.Pro198Leu (NM_000323.2, NM_001406743.1, NM_001406744.1 and 16 more transcripts); c.464C>T, p.Pro155Leu (NM_001406761.1, NM_001406762.1, NM_001406764.1 and 4 more transcripts); c.337+1875C>T (NM_001406770.1, NM_001406766.1, NM_001406767.1 and 8 more transcripts); c.74-6434C>T (NM_001406784.1); c.74-9502C>T (NM_001406794.1, NM_001406792.1, NM_001406793.1); short protein forms P198L, P155L.
Identifiers: ClinVar variation 2796144 (VCV002796144.5), dbSNP rs750675926, ClinGen allele CA376543606.
Genomic context (GRCh38, chr10:43,102,597, plus strand): 5'-AGAACCGACCCCCAGGCACCTTCCACCAGTTCCGCCTGCTGCCTGTGCAGTTCTTGTGCC[C>T]CAACATCAGCGTGGCCTACAGGCTCCTGGAGGGTGAGTGCCGACCTTGTGGGGCCGCCCC-3'
Protein context (NP_066124.1, residues 188-208): FRLLPVQFLC[Pro198Leu]NISVAYRLLE

ClinVar aggregate classification (germline): Uncertain significance. Review status: criteria provided, multiple submitters, no conflicts (2 of 4 stars). 3 submissions from 3 submitters: Uncertain significance (3). Last evaluated 2025-12-08.

Conditions:
Multiple endocrine neoplasia, type 2 (MEN2). Identifiers: Orphanet 653, MedGen C4048306, MONDO:0019003. Disease mechanism: gain of function.
Hereditary cancer-predisposing syndrome. Also called: Hereditary Cancer Syndrome; Neoplastic Syndromes, Hereditary; Tumor predisposition; Hereditary neoplastic syndrome. Identifiers: Orphanet 140162, MedGen C0027672, MeSH D009386, MONDO:0015356.

Submissions (3):

Ambry Genetics
Classification: Uncertain significance for Hereditary cancer-predisposing syndrome. Last evaluated: 2025-12-08. Review status: criteria provided, single submitter. Criteria: Ambry Variant Classification Scheme 2023. Collection method: clinical testing. Allele origin: germline.
Comment: The p.P198L variant (also known as c.593C>T), located in coding exon 3 of the RET gene, results from a C to T substitution at nucleotide position 593. The proline at codon 198 is replaced by leucine, an amino acid with similar properties. This amino acid position is highly conserved in available vertebrate species. In addition, the in silico prediction for this alteration is inconclusive. Based on the available evidence, the clinical significance of this variant remains unclear.

Labcorp Genetics (formerly Invitae), Labcorp
Classification: Uncertain significance for Multiple endocrine neoplasia, type 2. Last evaluated: 2023-11-07. Review status: criteria provided, single submitter. Criteria: Invitae Variant Classification Sherloc (09022015). Collection method: clinical testing. Allele origin: germline.
Comment: This sequence change replaces proline, which is neutral and non-polar, with leucine, which is neutral and non-polar, at codon 198 of the RET protein (p.Pro198Leu). This variant is not present in population databases (gnomAD no frequency). This variant has not been reported in the literature in individuals affected with RET-related conditions. An algorithm developed to predict the effect of missense changes on protein structure and function (PolyPhen-2) suggests that this variant is likely to be tolerated. In summary, the available evidence is currently insufficient to determine the role of this variant in disease. Therefore, it has been classified as a Variant of Uncertain Significance.

All of Us Research Program, National Institutes of Health
Classification: Uncertain significance for Multiple endocrine neoplasia, type 2. Last evaluated: 2023-04-27. Review status: criteria provided, single submitter. Criteria: ACMG Guidelines, 2015. Collection method: clinical testing. Allele origin: germline. Inheritance: Autosomal dominant inheritance. Observed: 1 variant allele, 1 heterozygote.
Comment: This study involves interpretation of variants in research participants for the purpose of population health screening. Participant phenotype was not available at the time of variant classification. Additional details can be found in publication PMID: 35346344, PMCID: PMC8962531